The following is an entry in ClinVar:

ClinVar aggregate classification (germline): Uncertain significance (1 of 4 stars; one submission).

Submission:

Labcorp Genetics (formerly Invitae), Labcorp
Classification: Uncertain significance. Last evaluated: 2021-09-01. Review status: criteria provided, single submitter. Criteria: Invitae Variant Classification Sherloc (09022015). Collection method: clinical testing. Allele origin: germline.
Comment: This sequence change replaces isoleucine with valine at codon 1063 of the LRPPRC protein (p.Ile1063Val). The isoleucine residue is weakly conserved and there is a small physicochemical difference between isoleucine and valine. This variant is not present in population databases (ExAC no frequency). This variant has not been reported in the literature in individuals affected with LRPPRC-related conditions. Algorithms developed to predict the effect of missense changes on protein structure and function output the following: SIFT: "Tolerated"; PolyPhen-2: "Benign"; Align-GVGD: "Class C0". The valine amino acid residue is found in multiple mammalian species, which suggests that this missense change does not adversely affect protein function. In summary, the available evidence is currently insufficient to determine the role of this variant in disease. Therefore, it has been classified as a Variant of Uncertain Significance.

NM_133259.4(LRPPRC):c.3187A>G (p.Ile1063Val)

Gene: LRPPRC (leucine rich pentatricopeptide repeat containing; minus strand). Cytogenetic location: 2p21.
Variant type: single nucleotide variant.
Coding change: c.3187A>G on transcript NM_133259.4 (MANE Select); coding-DNA position 3187, A replaced by G.
Protein change: p.Ile1063Val; replaces isoleucine 1063 with valine.
Molecular consequence: missense variant.
Genome position (GRCh38, 1-based): chr2:43,912,520, T>C on the plus strand (A>G on the coding strand, the complement: LRPPRC is on the minus strand). VCF-style: chr2-43912520-T-C. GRCh37 (hg19) VCF-style: chr2-44139659-T-C.
Other names: short protein forms I1063V.
Identifiers: ClinVar variation 1460848 (VCV001460848.5), dbSNP rs373637783, ClinGen allele CA46439394.
Genomic context (GRCh38, chr2:43,912,520, plus strand): 5'-AATAATCTTCTGACATCAGTAATTTAATGAGATTGCTGTAGGTTTCAGCATTAAACACAA[T>C]GTTTTGCTCTTTTGCATTCAGGAAAATATCATATGCCCCTATGAGAGAAAACAGACAAAA-3'
Protein context (NP_573566.2, residues 1053-1073): DIFLNAKEQN[Ile1063Val]VFNAETYSNL